The following is an entry in ClinVar:

ClinVar aggregate classification (germline): Likely pathogenic (1 of 4 stars; one submission).

Conditions:
Childhood hypophosphatasia. Identifiers: Orphanet 247667, Orphanet 436, MedGen C0220743, MONDO:1010168, OMIM 241510, MONDO:0009428.
Adult hypophosphatasia. Identifiers: Orphanet 247676, Orphanet 436, MedGen C0268413, MONDO:1010154, OMIM 146300, MONDO:0007798.
Infantile hypophosphatasia. Identifiers: Orphanet 247651, Orphanet 436, MedGen C0268412, MONDO:1010169, OMIM 241500, MONDO:0009427.

Submission:

First Genomix Gene Laboratory, Genetic Diagnostics Department
Classification: Likely pathogenic for Adult hypophosphatasia; Childhood hypophosphatasia; Infantile hypophosphatasia. Last evaluated: 2025-03-24. Review status: criteria provided, single submitter. Criteria: ACMG Guidelines, 2015. Collection method: clinical testing. Allele origin: germline. Inheritance: Autosomal recessive inheritance. Affected: no. Observed: 1 variant allele.

NM_000478.6(ALPL):c.883A>C (p.Met295Leu)

Gene: ALPL (alkaline phosphatase, biomineralization associated; plus strand). Cytogenetic location: 1p36.12.
Variant type: single nucleotide variant.
Coding change: c.883A>C on transcript NM_000478.6 (MANE Select); coding-DNA position 883, A replaced by C.
Protein change: p.Met295Leu; replaces methionine 295 with leucine.
Molecular consequence: missense variant.
Genome position (GRCh38, 1-based): chr1:21,573,685, A>C. VCF-style: chr1-21573685-A-C. GRCh37 (hg19) VCF-style: chr1-21900178-A-C.
Other names: c.718A>C, p.Met240Leu (NM_001127501.4); c.652A>C, p.Met218Leu (NM_001177520.3); c.883A>C, p.Met295Leu (NM_001369803.2, NM_001369804.2, NM_001369805.2); short protein forms M218L, M240L, M295L.
Identifiers: ClinVar variation 4526606 (VCV004526606.1).